The following is an entry in ClinVar:

NC_000001.10:g.(?_145414782)_(145509211_?)del

Genes: ANKRD34A (ankyrin repeat domain 34A; minus strand), HJV (hemojuvelin BMP co-receptor; minus strand), LIX1L (limb and CNS expressed 1 like; minus strand), POLR3GL (RNA polymerase III subunit GL; plus strand), RBM8A (RNA binding motif protein 8A; minus strand) and 1 more. Cytogenetic location: 1q21.1.
Variant type: Deletion.
Identifiers: ClinVar variation 1070874 (VCV001070874.1).

ClinVar aggregate classification (germline): Pathogenic (1 of 4 stars; one submission).

Submission:

Labcorp Genetics (formerly Invitae), Labcorp
Classification: Pathogenic. Last evaluated: 2020-10-23. Review status: criteria provided, single submitter. Criteria: Invitae Variant Classification Sherloc (09022015). Collection method: clinical testing. Allele origin: germline.
Comment: A gross deletion of the genomic region encompassing the full coding sequence of the HFE2 gene has been identified. The boundaries of this event are unknown as the deletion extends beyond the assayed region for this gene and therefore may encompass additional genes. This variant has not been reported in the literature in individuals with HFE2-related disease. Loss-of-function variants in HFE2 are known to be pathogenic (PMID: 20301349, 22408404). For these reasons, this variant has been classified as Pathogenic.

Literature cited by the submitters: PubMed 20301349; PubMed 22408404.